The following is an entry in ClinVar:

ClinVar aggregate classification (germline): Pathogenic. Review status: criteria provided, multiple submitters, no conflicts (2 of 4 stars). 3 submissions from 3 submitters: Pathogenic (2). 1 of the submissions does not count toward it. Last evaluated 2022-12-06.

Conditions:
EPILEPSY, CHILDHOOD ABSENCE, SUSCEPTIBILITY TO, 2 (ECA2). Identifiers: Orphanet 64280, MedGen C1843244, OMIM 607681.
Febrile seizures, familial, 8 (FEB8). Also called: CONVULSIONS, FAMILIAL FEBRILE, 8. Identifiers: Orphanet 36387, MedGen C1969810, MONDO:0011891, OMIM 607681.
Developmental and epileptic encephalopathy, 74. Also called: EPILEPTIC ENCEPHALOPATHY, EARLY INFANTILE, 74. Identifiers: MedGen C5193074, MONDO:0032725, OMIM 618396.

Submissions (3):

Labcorp Genetics (formerly Invitae), Labcorp
Classification: Pathogenic for Febrile seizures, familial, 8; EPILEPSY, CHILDHOOD ABSENCE, SUSCEPTIBILITY TO, 2. Last evaluated: 2022-12-06. Review status: criteria provided, single submitter. Criteria: Invitae Variant Classification Sherloc (09022015). Collection method: clinical testing. Allele origin: germline.
Comment: For these reasons, this variant has been classified as Pathogenic. Experimental studies have shown that this missense change affects GABRG2 function (PMID: 27864268). Advanced modeling of protein sequence and biophysical properties (such as structural, functional, and spatial information, amino acid conservation, physicochemical variation, residue mobility, and thermodynamic stability) performed at Invitae indicates that this missense variant is expected to disrupt GABRG2 protein function. ClinVar contains an entry for this variant (Variation ID: 625863). This variant is also known as c.964C>T p.Pro322Ser. This missense change has been observed in individual(s) with clinical features of epileptic encephalopathy (PMID: 27864268, 31785789, 32371413). In at least one individual the variant was observed to be de novo. This variant is not present in population databases (gnomAD no frequency). This sequence change replaces proline, which is neutral and non-polar, with serine, which is neutral and polar, at codon 282 of the GABRG2 protein (p.Pro282Ser).

Institute for Genomic Medicine (IGM) Clinical Laboratory, Nationwide Children's Hospital
Classification: Pathogenic for Febrile seizures, familial, 8; Developmental and epileptic encephalopathy, 74. Last evaluated: 2017-11-16. Review status: criteria provided, single submitter. Criteria: ACMG Guidelines, 2015. Collection method: clinical testing. Allele origin: germline. Affected: yes.
Comment: [ACMG/AMP: PS2, PS3, PM2, PM5, PP2, PP3, PP5] This alteration is de novo in origin as it was not detected in the submitted parental specimens (identity confirmed) [PS2], is supported by well-established in vitro or in vivo functional studies to have a damaging effect on protein function or splicing [PS3], is absent from or rarely observed in large-scale population databases [PM2], is a novel missense change at an amino residue where a different missense change has been deemed to be pathogenic [PM5], is a missense variant in a gene in which missense variants are a common mechanism of disease [PP2], is predicted to be damaging by multiple functional prediction tools [PP3], was reported as a pathogenic/likely pathogenic alteration by a reputable source (ClinVar or other correspondence from a clinical testing laboratory) [PP5].

OMIM
Classification: Pathogenic for DEVELOPMENTAL AND EPILEPTIC ENCEPHALOPATHY 74. Last evaluated: 2020-11-25. Review status: no assertion criteria provided. Collection method: literature only. Allele origin: germline. Not counted in ClinVar's aggregate classification.

Literature cited by the submitters: PubMed 27864268 (cited by Labcorp Genetics (formerly Invitae), Labcorp and OMIM); PubMed 31785789 (cited by Labcorp Genetics (formerly Invitae), Labcorp); PubMed 32371413 (cited by Labcorp Genetics (formerly Invitae), Labcorp).

NM_198904.4(GABRG2):c.844C>T (p.Pro282Ser)

Gene: GABRG2 (gamma-aminobutyric acid type A receptor subunit gamma2; plus strand). Cytogenetic location: 5q34.
Variant type: single nucleotide variant.
Coding change: c.844C>T on transcript NM_198904.4 (MANE Select); coding-DNA position 844, C replaced by T.
Protein change: p.Pro282Ser; replaces proline 282 with serine.
Molecular consequence: missense variant.
Genome position (GRCh38, 1-based): chr5:162,142,238, C>T. VCF-style: chr5-162142238-C-T. GRCh37 (hg19) VCF-style: chr5-161569244-C-T.
Other names: c.844C>T, p.Pro282Ser (NM_000816.3, NM_001375340.1); c.835C>T, p.Pro279Ser (NM_001375339.1); c.841C>T, p.Pro281Ser (NM_001375341.1, NM_001375342.1); c.964C>T, p.Pro322Ser (NM_001375343.1, NM_198903.2); c.883C>T, p.Pro295Ser (NM_001375344.1); c.778C>T, p.Pro260Ser (NM_001375345.1, NM_001375346.1); c.757C>T, p.Pro253Ser (NM_001375347.1); c.424C>T, p.Pro142Ser (NM_001375348.1, NM_001375350.1); and 1 more; short protein forms P282S, P322S, P142S, P187S, P253S, P260S, P279S, P281S.
Identifiers: ClinVar variation 625863 (VCV000625863.15), dbSNP rs796052508, ClinGen allele CA314726.